The following is an entry in ClinVar:

NM_018082.6(POLR3B):c.1297C>G (p.Arg433Gly)

Gene: POLR3B (RNA polymerase III subunit B; plus strand). Cytogenetic location: 12q23.3.
Variant type: single nucleotide variant.
Coding change: c.1297C>G on transcript NM_018082.6 (MANE Select); coding-DNA position 1297, C replaced by G.
Protein change: p.Arg433Gly; replaces arginine 433 with glycine.
Molecular consequence: missense variant.
Genome position (GRCh38, 1-based): chr12:106,430,306, C>G. VCF-style: chr12-106430306-C-G. GRCh37 (hg19) VCF-style: chr12-106824084-C-G.
Other names: c.1123C>G, p.Arg375Gly (NM_001160708.2); short protein forms R375G, R433G.
Identifiers: ClinVar variation 4689839 (VCV004689839.1).
Genomic context (GRCh38, chr12:106,430,306, plus strand): 5'-AGTCTTATGTCTTTCATCTCCCTACAGGGAAATTGGTCTTTAAAGAGATTTAAAATGGAC[C>G]GCCAGGGTGTAACCCAAGTGCTGTCTCGCTTGTCATATATATCCGCACTGGGCATGATGA-3'
Protein context (NP_060552.4, residues 423-443): NWSLKRFKMD[Arg433Gly]QGVTQVLSRL

ClinVar aggregate classification (germline): Pathogenic (1 of 4 stars; one submission).

Submission:

GeneDx
Classification: Pathogenic. Last evaluated: 2025-07-24. Review status: criteria provided, single submitter. Criteria: GeneDx Variant Classification Process June 2021. Collection method: clinical testing. Allele origin: germline. Affected: yes.
Comment: Not observed at significant frequency in large population cohorts (gnomAD); In silico analysis supports that this missense variant has a deleterious effect on protein structure/function; This variant is associated with the following publications: (PMID: 38002527)